The following is an entry in ClinVar:

NM_017739.4(POMGNT1):c.275G>A (p.Gly92Asp)

Gene: POMGNT1 (protein O-linked mannose N-acetylglucosaminyltransferase 1 (beta 1,2-); minus strand). Cytogenetic location: 1p34.1.
Variant type: single nucleotide variant.
Coding change: c.275G>A on transcript NM_017739.4 (MANE Select); coding-DNA position 275, G replaced by A.
Protein change: p.Gly92Asp; replaces glycine 92 with aspartic acid.
Molecular consequence: missense variant. On other transcripts: 5 prime UTR variant (1).
Genome position (GRCh38, 1-based): chr1:46,196,810, C>T on the plus strand (G>A on the coding strand, the complement: POMGNT1 is on the minus strand). VCF-style: chr1-46196810-C-T. GRCh37 (hg19) VCF-style: chr1-46662482-C-T.
Other names: c.275G>A, p.Gly92Asp (NM_001243766.2, NM_001410783.1); c.209G>A, p.Gly70Asp (NM_001290129.3); c.-155G>A (NM_001290130.2); short protein forms G92D, G70D.
Identifiers: ClinVar variation 1423954 (VCV001423954.8), dbSNP rs761706300, ClinGen allele CA340191678.
Genomic context (GRCh38, chr1:46,196,810, plus strand): 5'-ACATATACTTTGCTGCGACTTGAATACACCTCTACGTCCAGGACCCGCCGGGGACCACTG[C>T]CTCTGCGCCGTGGGGGCTCCAGGCGGCCTAGGGCCTCATCTGTGGGGTACAACAGGTCAT-3'
Protein context (NP_060209.4, residues 82-102): LGRLEPPRRR[Gly92Asp]SGPRRVLDVE

ClinVar aggregate classification (germline): Uncertain significance (1 of 4 stars; one submission).

Conditions:
Autosomal recessive limb-girdle muscular dystrophy type 2O. Also called: Limb-Girdle Muscular Dystrophy Type 3C; MUSCULAR DYSTROPHY-DYSTROGLYCANOPATHY (LIMB-GIRDLE), TYPE C, 3; MUSCULAR DYSTROPHY-DYSTROGLYCANOPATHY, LIMB-GIRDLE, POMGNT1-RELATED. Identifiers: Orphanet 206564, MedGen C3150417, MONDO:0013161, OMIM 613157.
Muscular dystrophy-dystroglycanopathy (congenital with impaired intellectual development), type B, 3. Also called: MUSCULAR DYSTROPHY, CONGENITAL, POMGNT1-RELATED; Muscular dystrophy-dystroglycanopathy (congenital with intellectual disability), type B3. Identifiers: MedGen C3150412, MONDO:0013155, OMIM 613151.

Submission:

Labcorp Genetics (formerly Invitae), Labcorp
Classification: Uncertain significance for Autosomal recessive limb-girdle muscular dystrophy type 2O; Muscular dystrophy-dystroglycanopathy (congenital with impaired intellectual development), type B, 3. Last evaluated: 2023-12-06. Review status: criteria provided, single submitter. Criteria: Invitae Variant Classification Sherloc (09022015). Collection method: clinical testing. Allele origin: germline.
Comment: This sequence change replaces glycine, which is neutral and non-polar, with aspartic acid, which is acidic and polar, at codon 92 of the POMGNT1 protein (p.Gly92Asp). This variant is not present in population databases (gnomAD no frequency). This variant has not been reported in the literature in individuals affected with POMGNT1-related conditions. ClinVar contains an entry for this variant (Variation ID: 1423954). Advanced modeling of protein sequence and biophysical properties (such as structural, functional, and spatial information, amino acid conservation, physicochemical variation, residue mobility, and thermodynamic stability) performed at Invitae indicates that this missense variant is not expected to disrupt POMGNT1 protein function with a negative predictive value of 95%. In summary, the available evidence is currently insufficient to determine the role of this variant in disease. Therefore, it has been classified as a Variant of Uncertain Significance.